The following is an entry in ClinVar:

ClinVar aggregate classification (germline): Uncertain significance. Review status: criteria provided, multiple submitters, no conflicts (2 of 4 stars). 3 submissions from 3 submitters: Uncertain significance (3). Last evaluated 2025-01-02.

Conditions:
ABCG8-related disorder. Also called: ABCG8-related condition.

Allele frequency attached by ClinVar (database versions not stated): gnomAD 0.00004; gnomAD exomes 0.00004 and 0.00005; TOPMed 0.00005; ExAC 0.00007.
gnomAD v4.1: 71 of 1,614,148 alleles (0.0044%); highest among the groups gnomAD compares: Middle Eastern, 0.016%; no homozygotes.

Submissions (3):

PreventionGenetics, part of Exact Sciences
Classification: Uncertain significance for ABCG8-related condition. Last evaluated: 2025-01-02. Review status: criteria provided, single submitter. Criteria: ACMG Guidelines, 2015. Collection method: clinical testing. Allele origin: germline.
Comment: The ABCG8 c.419C>T variant is predicted to result in the amino acid substitution p.Ser140Leu. This variant was reported in an individual with familial Hhpercholesterolemia and in a cohort of individuals with dyslipidemias (Reeskamp et al. 2020. PubMed ID: 32088153; Dron et al. 2020. PubMed ID: 32041611). This variant is reported in 0.0088% of alleles in individuals of European (Non-Finnish) descent in gnomAD. At this time, the clinical significance of this variant is uncertain due to the absence of conclusive functional and genetic evidence.

Labcorp Genetics (formerly Invitae), Labcorp
Classification: Uncertain significance. Last evaluated: 2022-06-23. Review status: criteria provided, single submitter. Criteria: Invitae Variant Classification Sherloc (09022015). Collection method: clinical testing. Allele origin: germline.
Comment: This sequence change replaces serine, which is neutral and polar, with leucine, which is neutral and non-polar, at codon 140 of the ABCG8 protein (p.Ser140Leu). This variant is present in population databases (rs781180097, gnomAD 0.008%). This missense change has been observed in individual(s) with clinical features of ABCG8-related conditions (PMID: 32041611, 32088153). Algorithms developed to predict the effect of missense changes on protein structure and function are either unavailable or do not agree on the potential impact of this missense change (SIFT: "Deleterious"; PolyPhen-2: "Benign"; Align-GVGD: "Class C0"). In summary, the available evidence is currently insufficient to determine the role of this variant in disease. Therefore, it has been classified as a Variant of Uncertain Significance.

Mayo Clinic Laboratories, Mayo Clinic
Classification: Uncertain significance. Last evaluated: 2021-06-18. Review status: criteria provided, single submitter. Criteria: ACMG Guidelines, 2015. Collection method: clinical testing. Allele origin: germline.

Literature cited by the submitters: PubMed 32041611 (cited by Labcorp Genetics (formerly Invitae), Labcorp); PubMed 32088153 (cited by Labcorp Genetics (formerly Invitae), Labcorp).

NM_022437.3(ABCG8):c.419C>T (p.Ser140Leu)

Gene: ABCG8 (ATP binding cassette subfamily G member 8; plus strand). Cytogenetic location: 2p21.
Variant type: single nucleotide variant.
Coding change: c.419C>T on transcript NM_022437.3 (MANE Select); coding-DNA position 419, C replaced by T.
Protein change: p.Ser140Leu; replaces serine 140 with leucine.
Molecular consequence: missense variant.
Genome position (GRCh38, 1-based): chr2:43,851,680, C>T. VCF-style: chr2-43851680-C-T. GRCh37 (hg19) VCF-style: chr2-44078819-C-T.
Other names: p.Ser140Leu; c.419C>T, p.Ser140Leu (NM_001357321.2); short protein forms S140L.
Identifiers: ClinVar variation 1416711 (VCV001416711.9), dbSNP rs781180097, ClinGen allele CA1637011.
Genomic context (GRCh38, chr2:43,851,680, plus strand): 5'-GCCGAGGTCACGGCGGCAAGATCAAGTCAGGCCAGATCTGGATCAATGGGCAGCCCAGCT[C>T]GCCTCAGCTGGTGAGGAAGTGTGTGGCCCACGTGCGCCAGCACAACCAGCTGCTCCCCAA-3'
Protein context (NP_071882.1, residues 130-150): GQIWINGQPS[Ser140Leu]PQLVRKCVAH